The following is an entry in ClinVar:

NM_003024.3(ITSN1):c.4957G>A (p.Asp1653Asn)

Gene: ITSN1 (intersectin 1; plus strand). Cytogenetic location: 21q22.11.
Variant type: single nucleotide variant.
Coding change: c.4957G>A on transcript NM_003024.3 (MANE Select); coding-DNA position 4957, G replaced by A.
Protein change: p.Asp1653Asn; replaces aspartic acid 1653 with asparagine.
Molecular consequence: missense variant.
Genome position (GRCh38, 1-based): chr21:33,886,400, G>A. VCF-style: chr21-33886400-G-A. GRCh37 (hg19) VCF-style: chr21-35258704-G-A.
Other names: c.4942G>A, p.Asp1648Asn (NM_001331010.2); short protein forms D1648N, D1653N.
Identifiers: ClinVar variation 3903032 (VCV003903032.1).

ClinVar aggregate classification (germline): Uncertain significance (1 of 4 stars; one submission).

Submission:

GeneDx
Classification: Uncertain significance. Last evaluated: 2024-12-13. Review status: criteria provided, single submitter. Criteria: GeneDx Variant Classification Process June 2021. Collection method: clinical testing. Allele origin: germline. Affected: yes.
Comment: Not observed at significant frequency in large population cohorts (gnomAD); In silico analysis supports that this missense variant has a deleterious effect on protein structure/function; Has not been previously published as pathogenic or benign to our knowledge